The following is an entry in ClinVar:

ClinVar aggregate classification (germline): Uncertain significance (1 of 4 stars; one submission).

Submission:

GeneDx
Classification: Uncertain significance. Last evaluated: 2022-12-11. Review status: criteria provided, single submitter. Criteria: GeneDx Variant Classification Process June 2021. Collection method: clinical testing. Allele origin: germline. Affected: yes.
Comment: Not observed at significant frequency in large population cohorts (gnomAD); In silico analysis supports that this missense variant does not alter protein structure/function; Has not been previously published as pathogenic or benign to our knowledge

NM_001206999.2(CIT):c.878C>T (p.Ala293Val)

Gene: CIT (citron rho-interacting serine/threonine kinase; minus strand). Cytogenetic location: 12q24.23.
Variant type: single nucleotide variant.
Coding change: c.878C>T on transcript NM_001206999.2 (MANE Select); coding-DNA position 878, C replaced by T.
Protein change: p.Ala293Val; replaces alanine 293 with valine.
Molecular consequence: missense variant.
Genome position (GRCh38, 1-based): chr12:119,825,244, G>A on the plus strand (C>T on the coding strand, the complement: CIT is on the minus strand). VCF-style: chr12-119825244-G-A. GRCh37 (hg19) VCF-style: chr12-120263048-G-A.
Other names: c.878C>T, p.Ala293Val (NM_007174.3); short protein forms A293V.
Identifiers: ClinVar variation 2504681 (VCV002504681.1), dbSNP rs2502636973, ClinGen allele CA386543340.